The following is an entry in ClinVar:

ClinVar aggregate classification (germline): Pathogenic (1 of 4 stars; one submission).

Conditions:
Tuberous sclerosis 1 (TSC1). Identifiers: Orphanet 805, MedGen C1854465, MONDO:0008612, OMIM 191100.

Submission:

Labcorp Genetics (formerly Invitae), Labcorp
Classification: Pathogenic for Tuberous sclerosis 1. Last evaluated: 2023-05-10. Review status: criteria provided, single submitter. Criteria: Invitae Variant Classification Sherloc (09022015). Collection method: clinical testing. Allele origin: germline.
Comment: For these reasons, this variant has been classified as Pathogenic. This variant has not been reported in the literature in individuals affected with TSC1-related conditions. This variant is not present in population databases (gnomAD no frequency). This sequence change creates a premature translational stop signal (p.Arg850Cysfs*26) in the TSC1 gene. It is expected to result in an absent or disrupted protein product. Loss-of-function variants in TSC1 are known to be pathogenic (PMID: 10227394, 17304050).

Literature cited by the submitters: PubMed 10227394; PubMed 17304050.

NM_000368.5(TSC1):c.2548_2554del (p.Arg850fs)

Gene: TSC1 (TSC complex subunit 1; minus strand). Cytogenetic location: 9q34.13.
Variant type: Deletion.
Coding change: c.2548_2554del on transcript NM_000368.5 (MANE Select); coding-DNA positions 2548 to 2554, 7 bases deleted (AGGCAGC; older notation c.2548_2554delAGGCAGC).
Protein change: p.Arg850fs; shifts the reading frame from arginine 850.
Molecular consequence: frameshift variant. On other transcripts: non-coding transcript variant (5).
Genome position (GRCh38, 1-based): chr9:132,900,786-132,900,792, GCTGCCT deleted on the plus strand (AGGCAGC on the coding strand, the reverse complement: TSC1 is on the minus strand); deleting any 7 consecutive bases within chr9:132,900,786-132,900,793 gives the same sequence; the c. name uses the placement nearest the transcript's 3' end. VCF-style (leftmost placement, unchanged base first): chr9-132900785-AGCTGCCT-A. GRCh37 (hg19) VCF-style: chr9-135776172-AGCTGCCT-A.
Other names: c.2548_2554del, p.Arg850fs (NM_001406594.1, NM_001406595.1, NM_001406596.1 and 2 more transcripts); c.2545_2551del, p.Arg849fs (NM_001406597.1, NM_001406598.1, NM_001406599.1 and 2 more transcripts); c.2533_2539del, p.Arg845fs (NM_001406601.1, NM_001406602.1); c.2395_2401del, p.Arg799fs (NM_001162427.2, NM_001406610.1); c.2185_2191del, p.Arg729fs (NM_001362177.2, NM_001406614.1, NM_001406615.1 and 4 more transcripts); c.2530_2536del, p.Arg844fs (NM_001406603.1, NM_001406604.1); c.2506_2512del, p.Arg836fs (NM_001406605.1, NM_001406606.1, NM_001406607.1); c.2503_2509del, p.Arg835fs (NM_001406608.1, NM_001406609.1); and 8 more; short protein forms R499fs, R533fs, R784fs, R798fs, R836fs, R845fs, R715fs, R729fs.
Identifiers: ClinVar variation 2863035 (VCV002863035.3), dbSNP rs2538550854, ClinGen allele CA2739265165.